The following is an entry in ClinVar:

ClinVar aggregate classification (germline): Uncertain significance (1 of 4 stars; one submission).

Conditions:
Encephalopathy, acute, infection-induced (herpes-specific), susceptibility to, 6. Also called: Herpes simplex encephalitis, susceptibility to, 4. Identifiers: Orphanet 1930, MedGen C3553869, MONDO:0013921, OMIM 614850.

Allele frequency attached by ClinVar (database versions not stated): ExAC 0.00002; TOPMed 0.00002; gnomAD exomes 0.00005; gnomAD 0.00003.

Submission:

Labcorp Genetics (formerly Invitae), Labcorp
Classification: Uncertain significance for Encephalopathy, acute, infection-induced (herpes-specific), susceptibility to, 6. Last evaluated: 2024-10-15. Review status: criteria provided, single submitter. Criteria: Invitae Variant Classification Sherloc (09022015). Collection method: clinical testing. Allele origin: germline.
Comment: This sequence change replaces aspartic acid, which is acidic and polar, with glycine, which is neutral and non-polar, at codon 41 of the TICAM1 protein (p.Asp41Gly). This variant is present in population databases (rs765301499, gnomAD 0.03%). This variant has not been reported in the literature in individuals affected with TICAM1-related conditions. ClinVar contains an entry for this variant (Variation ID: 1036897). An algorithm developed to predict the effect of missense changes on protein structure and function outputs the following: PolyPhen-2: "Benign". The glycine amino acid residue is found in multiple mammalian species, which suggests that this missense change does not adversely affect protein function. In summary, the available evidence is currently insufficient to determine the role of this variant in disease. Therefore, it has been classified as a Variant of Uncertain Significance.

NM_182919.4(TICAM1):c.122A>G (p.Asp41Gly)

Gene: TICAM1 (TIR domain containing adaptor molecule 1; minus strand). Cytogenetic location: 19p13.3.
Variant type: single nucleotide variant.
Coding change: c.122A>G on transcript NM_182919.4 (MANE Select); coding-DNA position 122, A replaced by G.
Protein change: p.Asp41Gly; replaces aspartic acid 41 with glycine.
Molecular consequence: missense variant. On other transcripts: intron variant (1), 5 prime UTR variant (1).
Genome position (GRCh38, 1-based): chr19:4,818,256, T>C on the plus strand (A>G on the coding strand, the complement: TICAM1 is on the minus strand). VCF-style: chr19-4818256-T-C. GRCh37 (hg19) VCF-style: chr19-4818268-T-C.
Other names: c.-72+128A>G (NM_001385680.1); c.80A>G, p.Asp27Gly (NM_001385678.1); c.-14A>G (NM_001385679.1); short protein forms D41G, D27G.
Identifiers: ClinVar variation 1036897 (VCV001036897.7), dbSNP rs765301499, ClinGen allele CA9105419.